The following is an entry in ClinVar:

ClinVar aggregate classification (germline): Uncertain significance (1 of 4 stars; one submission).

Conditions:
Pitt-Hopkins-like syndrome 2 (PTHSL2). Identifiers: Orphanet 221150, Orphanet 600663, MedGen C3280479, MONDO:0013690, OMIM 614325.

Allele frequency attached by ClinVar (database versions not stated): gnomAD exomes below 0.00001; TOPMed below 0.00001; gnomAD 0.00001.
gnomAD v4.1: 55 of 1,590,472 alleles (0.0035%); highest among the groups gnomAD compares: Non-Finnish European, 0.0046%; no homozygotes.

Submission:

Labcorp Genetics (formerly Invitae), Labcorp
Classification: Uncertain significance for Pitt-Hopkins-like syndrome 2. Last evaluated: 2026-01-12. Review status: criteria provided, single submitter. Criteria: Invitae Variant Classification Sherloc (09022015). Collection method: clinical testing. Allele origin: germline.
Comment: This sequence change replaces valine, which is neutral and non-polar, with leucine, which is neutral and non-polar, at codon 242 of the NRXN1 protein (p.Val242Leu). This variant is present in population databases (no rsID available, gnomAD 0.002%). This variant has not been reported in the literature in individuals affected with NRXN1-related conditions. ClinVar contains an entry for this variant (Variation ID: 238558). An algorithm developed to predict the effect of missense changes on protein structure and function (PolyPhen-2) suggests that this variant is likely to be tolerated. In summary, the available evidence is currently insufficient to determine the role of this variant in disease. Therefore, it has been classified as a Variant of Uncertain Significance.

NM_001330078.2(NRXN1):c.724G>C (p.Val242Leu)

Gene: NRXN1 (neurexin 1; minus strand). Cytogenetic location: 2p16.3.
Variant type: single nucleotide variant.
Coding change: c.724G>C on transcript NM_001330078.2 (MANE Select); coding-DNA position 724, G replaced by C.
Protein change: p.Val242Leu; replaces valine 242 with leucine.
Molecular consequence: missense variant.
Genome position (GRCh38, 1-based): chr2:51,027,550, C>G on the plus strand (G>C on the coding strand, the complement: NRXN1 is on the minus strand). VCF-style: chr2-51027550-C-G. GRCh37 (hg19) VCF-style: chr2-51254688-C-G.
Other names: c.724G>C, p.Val242Leu (NM_001135659.3, NM_001330077.2, NM_001330079.2 and 15 more transcripts); short protein forms V242L.
Identifiers: ClinVar variation 238558 (VCV000238558.9), dbSNP rs878854254, ClinGen allele CA10582096.
Genomic context (GRCh38, chr2:51,027,550, plus strand): 5'-GTCGGGCCTTACCTTGGCTGCAGTCCTTGCCGCGGAAGCCGGTTCGCGAGCAGTCGCACA[C>G]GGCCTGGTCGTCCACCACGGAGCACACACCTCCGTTGAGGCACACCCCGCCCTCGCCCTC-3'
Protein context (NP_001317007.1, residues 232-252): GVCSVVDDQA[Val242Leu]CDCSRTGFRG